The following is an entry in ClinVar:

NM_000088.4(COL1A1):c.2172del (p.Gly725fs)

Gene: COL1A1 (collagen type I alpha 1 chain; minus strand). Cytogenetic location: 17q21.33.
Variant type: Deletion.
Coding change: c.2172del on transcript NM_000088.4 (MANE Select); coding-DNA position 2172, one base deleted (T; older notation c.2172delT).
Protein change: p.Gly725fs; shifts the reading frame from glycine 725.
Molecular consequence: frameshift variant.
Genome position (GRCh38, 1-based): chr17:50,191,446, A deleted on the plus strand (T on the coding strand, the reverse complement: COL1A1 is on the minus strand). VCF-style (leftmost placement, unchanged base first): chr17-50191445-CA-C. GRCh37 (hg19) VCF-style: chr17-48268806-CA-C.
Other names: c.2172delT (NM_000088.3); short protein forms G725fs.
Identifiers: ClinVar variation 599232 (VCV000599232.6), dbSNP rs1567757138, ClinGen allele CA913190880.

ClinVar aggregate classification (germline): Pathogenic. Review status: criteria provided, multiple submitters, no conflicts (2 of 4 stars). 3 submissions from 3 submitters: Pathogenic (2). 1 of the submissions does not count toward it. Last evaluated 2025-05-28.

Conditions:
Osteogenesis imperfecta type I (OI1). Also called: Lobstein disease; Classic Non-deforming Osteogenesis Imperfecta with Blue Sclerae; Lobstein's Disease; Osteogenesis imperfecta type 1; OI, TYPE I; OSTEOGENESIS IMPERFECTA TARDA. Identifiers: Orphanet 216796, Orphanet 666, MedGen C0023931, MONDO:0008146, OMIM 166200. Disease mechanism: loss of function.

Submissions (3):

Dasa
Classification: Pathogenic. Last evaluated: 2025-05-28. Review status: criteria provided, single submitter. Criteria: DASA Assertion Criteria. Collection method: clinical testing. Allele origin: germline.
Comment: NM_000088.4(COL1A1):c.2172del (p.Gly725Alafs*41) is a frameshift variant in COL1A1 predicted to alter the reading frame and introduce a premature termination codon and is predicted to result in an absent or altered protein product. Loss of function is an established disease mechanism for COL1A1 (PMID: 9067755; PMID: 9016532). Also, this variant is absent from population databases. Based on the currently available evidence, this variant is classified as pathogenic.

Labcorp Genetics (formerly Invitae), Labcorp
Classification: Pathogenic for Osteogenesis imperfecta type I. Last evaluated: 2018-07-08. Review status: criteria provided, single submitter. Criteria: Invitae Variant Classification Sherloc (09022015). Collection method: clinical testing. Allele origin: germline.
Comment: This sequence change creates a premature translational stop signal (p.Gly725Alafs*41) in the COL1A1 gene. It is expected to result in an absent or disrupted protein product. This variant is not present in population databases (ExAC no frequency). This variant has not been reported in the literature in individuals with COL1A1-related disease. Loss-of-function variants in COL1A1 are known to be pathogenic (PMID: 7942841, 9295084, 9443882). For these reasons, this variant has been classified as Pathogenic.

Foundation for Research in Genetics and Endocrinology, FRIGE's Institute of Human Genetics
Classification: Pathogenic for Osteogenesis imperfecta type I. Last evaluated: 2018-12-10. Review status: no assertion criteria provided. Collection method: clinical testing. Allele origin: germline. Inheritance: Autosomal dominant inheritance. Affected: yes. Observed: 1 heterozygote. Not counted in ClinVar's aggregate classification.
Comment: The observed variant NM_000088.3: c.2172delT (p.Gly725AlafsTer41) in exon-32 of COL1A1 gene has not been reported in the 1000 Genomes and ExAC databases. The in-silico prediction of variant is damaging by MutationTaster2.

Literature cited by the submitters: PubMed 9067755 (cited by Dasa); PubMed 9016532 (cited by Dasa); PubMed 7942841 (cited by Labcorp Genetics (formerly Invitae), Labcorp); PubMed 9295084 (cited by Labcorp Genetics (formerly Invitae), Labcorp); PubMed 9443882 (cited by Labcorp Genetics (formerly Invitae), Labcorp).